The following is an entry in ClinVar:

ClinVar aggregate classification (germline): Uncertain significance (1 of 4 stars; one submission).

Submission:

Labcorp Genetics (formerly Invitae), Labcorp
Classification: Uncertain significance. Last evaluated: 2022-01-12. Review status: criteria provided, single submitter. Criteria: Invitae Variant Classification Sherloc (09022015). Collection method: clinical testing. Allele origin: germline.
Comment: Experimental studies and prediction algorithms are not available or were not evaluated, and the functional significance of this variant is currently unknown. This variant occurs in a non-coding region of the COL4A1 gene. It does not change the encoded amino acid sequence of the COL4A1 protein. This variant is not present in population databases (gnomAD no frequency). This variant has not been reported in the literature in individuals affected with COL4A1-related conditions. In summary, the available evidence is currently insufficient to determine the role of this variant in disease. Therefore, it has been classified as a Variant of Uncertain Significance.

NM_001845.6(COL4A1):c.*35del

Gene: COL4A1 (collagen type IV alpha 1 chain; minus strand). Cytogenetic location: 13q34.
Variant type: Deletion.
Coding change: c.*35del on transcript NM_001845.6 (MANE Select); 35 bases downstream of the stop codon, one base deleted (C; older notation c.*35delC).
Molecular consequence: 3 prime UTR variant.
Genome position (GRCh38, 1-based): chr13:110,150,328, G deleted on the plus strand (C on the coding strand, the reverse complement: COL4A1 is on the minus strand). VCF-style (leftmost placement, unchanged base first): chr13-110150327-AG-A. GRCh37 (hg19) VCF-style: chr13-110802674-AG-A.
Identifiers: ClinVar variation 2071537 (VCV002071537.4), dbSNP rs2501711684, ClinGen allele CA2580087091.